The following is an entry in ClinVar:

NM_000293.3(PHKB):c.2427+1G>A

Gene: PHKB (phosphorylase kinase regulatory subunit beta; plus strand). Cytogenetic location: 16q12.1.
Variant type: single nucleotide variant.
Coding change: c.2427+1G>A on transcript NM_000293.3 (MANE Select); the canonical splice donor site of the intron after coding-DNA position 2427, G replaced by A.
Molecular consequence: splice donor variant. On other transcripts: intron variant (2).
Genome position (GRCh38, 1-based): chr16:47,664,976, G>A. VCF-style: chr16-47664976-G-A. GRCh37 (hg19) VCF-style: chr16-47698887-G-A.
Other names: c.2337-966G>A (NM_001363837.1); c.2316-966G>A (NM_001031835.3).
Identifiers: ClinVar variation 2775476 (VCV002775476.3), dbSNP rs1290323940, ClinGen allele CA395789882.

ClinVar aggregate classification (germline): Likely pathogenic (1 of 4 stars; one submission).

Conditions:
Glycogen storage disease IXb (GSD9B). Also called: GLYCOGENOSIS OF LIVER AND MUSCLE, AUTOSOMAL RECESSIVE; GSD IXb; PHOSPHORYLASE KINASE DEFICIENCY OF LIVER AND MUSCLE, AUTOSOMAL RECESSIVE. Identifiers: Orphanet 79240, MedGen C0543514, MONDO:0009868, OMIM 261750.

Allele frequency attached by ClinVar (database versions not stated): gnomAD exomes below 0.00001.
gnomAD v4.1: 1 of 1,596,174 alleles (0.000063%); highest among the groups gnomAD compares: Non-Finnish European, 0.000086%; no homozygotes.

Submission:

Labcorp Genetics (formerly Invitae), Labcorp
Classification: Likely pathogenic for Glycogen storage disease IXb. Last evaluated: 2025-07-23. Review status: criteria provided, single submitter. Criteria: Invitae Variant Classification Sherloc (09022015). Collection method: clinical testing. Allele origin: germline.
Comment: This sequence change affects a donor splice site in intron 25 of the PHKB gene. It is expected to disrupt RNA splicing. Variants that disrupt the donor or acceptor splice site typically lead to a loss of protein function (PMID: 16199547), and loss-of-function variants in PHKB are known to be pathogenic (PMID: 9215682, 9326319). This variant is not present in population databases (gnomAD no frequency). This variant has not been reported in the literature in individuals affected with PHKB-related conditions. ClinVar contains an entry for this variant (Variation ID: 2775476). Algorithms developed to predict the effect of sequence changes on RNA splicing suggest that this variant may disrupt the consensus splice site. In summary, the currently available evidence indicates that the variant is pathogenic, but additional data are needed to prove that conclusively. Therefore, this variant has been classified as Likely Pathogenic.

Literature cited by the submitters: PubMed 16199547; PubMed 9215682; PubMed 9326319.